The following is an entry in ClinVar:

ClinVar aggregate classification (germline): Likely benign. Review status: criteria provided, multiple submitters, no conflicts (2 of 4 stars). 5 submissions from 5 submitters: Likely benign (5). Last evaluated 2026-07-01.

Conditions:
Cardiovascular phenotype. Identifiers: MedGen CN230736.
ZNF469-related disorder. Also called: ZNF469-related condition.

Allele frequency attached by ClinVar (database versions not stated): gnomAD exomes below 0.00001 and 0.00002; TOPMed 0.00002; gnomAD 0.00003.
gnomAD v4.1: 17 of 1,547,142 alleles (0.0011%); highest among the groups gnomAD compares: East Asian, 0.017%; no homozygotes.

Submissions (5):

CeGaT Center for Human Genetics Tuebingen
Classification: Likely benign. Last evaluated: 2026-07-01. Review status: criteria provided, single submitter. Criteria: CeGaT Center For Human Genetics Tuebingen Variant Classification Criteria Version 2. Collection method: clinical testing. Allele origin: germline. Affected: yes. Observed: 1 variant allele.
Comment: ZNF469: BP4, BP7

PreventionGenetics, part of Exact Sciences
Classification: Likely benign for ZNF469-related condition. Last evaluated: 2026-02-13. Review status: criteria provided, single submitter. Criteria: ACMG Guidelines, 2015. Collection method: clinical testing. Allele origin: germline.
Comment: This variant is classified as likely benign based on ACMG/AMP sequence variant interpretation guidelines (Richards et al. 2015 PMID: 25741868, with internal and published modifications).

Labcorp Genetics (formerly Invitae), Labcorp
Classification: Likely benign. Last evaluated: 2025-10-19. Review status: criteria provided, single submitter. Criteria: Invitae Variant Classification Sherloc (09022015). Collection method: clinical testing. Allele origin: germline.

Ambry Genetics
Classification: Likely benign for Cardiovascular phenotype. Last evaluated: 2019-11-28. Review status: criteria provided, single submitter. Criteria: Ambry Variant Classification Scheme 2023. Collection method: clinical testing. Allele origin: germline.

GeneDx
Classification: Likely benign. Last evaluated: 2018-02-26. Review status: criteria provided, single submitter. Criteria: GeneDx Variant Classification (06012015). Collection method: clinical testing. Allele origin: germline. Affected: yes.
Comment: This variant is considered likely benign or benign based on one or more of the following criteria: it is a conservative change, it occurs at a poorly conserved position in the protein, it is predicted to be benign by multiple in silico algorithms, and/or has population frequency not consistent with disease.

NM_001367624.2(ZNF469):c.9849C>T (p.Asp3283=)

Gene: ZNF469 (zinc finger protein 469; plus strand). Cytogenetic location: 16q24.2.
Variant type: single nucleotide variant.
Coding change: c.9849C>T on transcript NM_001367624.2 (MANE Select); coding-DNA position 9849, C replaced by T.
Protein change: p.Asp3283=; no amino-acid change (aspartic acid 3283 retained).
Molecular consequence: synonymous variant.
Genome position (GRCh38, 1-based): chr16:88,437,319, C>T. VCF-style: chr16-88437319-C-T. GRCh37 (hg19) VCF-style: chr16-88503727-C-T.
Other names: NM_001127464.1:c.9765C>T; NM_001127464.2:c.9765C>T.
Identifiers: ClinVar variation 515682 (VCV000515682.9), dbSNP rs949391158, ClinGen allele CA286385849.
Genomic context (GRCh38, chr16:88,437,319, plus strand): 5'-GAAAGACAGCCCGGGCGAGAGGGCGAAACCCCGGGCACGCAGCACCCCCAGCAACCCAGA[C>T]GGGGCCGCGACCCCAGACAGCGCCTCTGCCACCGCCCTGGCTGACGCCGGCAGCCCGGGC-3'
Protein context (NP_001354553.1, residues 3273-3293): PRARSTPSNP[Asp3283=]GAATPDSASA